The following is an entry in ClinVar:

NM_004727.3(SLC24A1):c.1454C>T (p.Thr485Ile)

Gene: SLC24A1 (solute carrier family 24 member 1; plus strand). Cytogenetic location: 15q22.31.
Variant type: single nucleotide variant.
Coding change: c.1454C>T on transcript NM_004727.3 (MANE Select); coding-DNA position 1454, C replaced by T.
Protein change: p.Thr485Ile; replaces threonine 485 with isoleucine.
Molecular consequence: missense variant.
Genome position (GRCh38, 1-based): chr15:65,625,534, C>T. VCF-style: chr15-65625534-C-T. GRCh37 (hg19) VCF-style: chr15-65917872-C-T.
Other names: c.1454C>T, p.Thr485Ile (NM_001301031.1, NM_001301032.1, NM_001301033.2); short protein forms T485I.
Identifiers: ClinVar variation 855472 (VCV000855472.7), dbSNP rs200772588, ClinGen allele CA7619912.
Genomic context (GRCh38, chr15:65,625,534, plus strand): 5'-TGTTTGTGGCCTTGGCCATTGTTTGCGACGAGTACTTCGTTCCAGCCCTGGGTGTCATCA[C>T]AGACAAGCTGCAGATCTCCGAGGATGTGGCAGGCGCCACATTCATGGCTGCTGGAGGCTC-3'
Protein context (NP_004718.1, residues 475-495): EYFVPALGVI[Thr485Ile]DKLQISEDVA

ClinVar aggregate classification (germline): Uncertain significance. Review status: criteria provided, multiple submitters, no conflicts (2 of 4 stars). 3 submissions from 3 submitters: Uncertain significance (3). Last evaluated 2024-08-21.

Conditions:
Inborn genetic diseases. Identifiers: MedGen C0950123, MeSH D030342.

Allele frequency attached by ClinVar (database versions not stated): TOPMed 0.00019; ExAC 0.00020; gnomAD exomes 0.00022 and 0.00040; gnomAD 0.00030; 1000 Genomes Project 30x 0.00031; ESP Exome Variant Server 0.00039; 1000 Genomes Project 0.00040.
gnomAD v4.1: 627 of 1,614,046 alleles (0.039%); highest among the groups gnomAD compares: Non-Finnish European, 0.049%; no homozygotes.

Submissions (3):

Blueprint Genetics
Classification: Uncertain significance. Last evaluated: 2024-08-21. Review status: criteria provided, single submitter. Criteria: ACMG Guidelines, 2015. Collection method: clinical testing. Allele origin: germline.

Ambry Genetics
Classification: Uncertain significance for Inborn genetic diseases. Last evaluated: 2022-10-26. Review status: criteria provided, single submitter. Criteria: Ambry Variant Classification Scheme 2023. Collection method: clinical testing. Allele origin: germline.

Labcorp Genetics (formerly Invitae), Labcorp
Classification: Uncertain significance. Last evaluated: 2022-10-04. Review status: criteria provided, single submitter. Criteria: Invitae Variant Classification Sherloc (09022015). Collection method: clinical testing. Allele origin: germline.
Comment: This sequence change replaces threonine, which is neutral and polar, with isoleucine, which is neutral and non-polar, at codon 485 of the SLC24A1 protein (p.Thr485Ile). This variant is present in population databases (rs200772588, gnomAD 0.04%). This variant has not been reported in the literature in individuals affected with SLC24A1-related conditions. ClinVar contains an entry for this variant (Variation ID: 855472). Algorithms developed to predict the effect of missense changes on protein structure and function are either unavailable or do not agree on the potential impact of this missense change (SIFT: "Tolerated"; PolyPhen-2: "Probably Damaging"; Align-GVGD: "Class C0"). In summary, the available evidence is currently insufficient to determine the role of this variant in disease. Therefore, it has been classified as a Variant of Uncertain Significance.